The following is an entry in ClinVar:

ClinVar aggregate classification (germline): Uncertain significance. Review status: criteria provided, multiple submitters, no conflicts (2 of 4 stars). 3 submissions from 3 submitters: Uncertain significance (3). Last evaluated 2025-11-26.

Conditions:
Inborn genetic diseases. Identifiers: MedGen C0950123, MeSH D030342.

Allele frequency attached by ClinVar (database versions not stated): gnomAD exomes 0.00003 and 0.00005; ExAC 0.00005; ESP Exome Variant Server 0.00015; 1000 Genomes Project 30x 0.00016; 1000 Genomes Project 0.00020.
gnomAD v4.1: 78 of 1,614,198 alleles (0.0048%); highest among the groups gnomAD compares: African/African-American, 0.072%; no homozygotes.

Submissions (3):

Women's Health and Genetics/Laboratory Corporation of America, LabCorp
Classification: Uncertain significance. Last evaluated: 2025-11-26. Review status: criteria provided, single submitter. Criteria: LabCorp Variant Classification Summary - May 2015. Collection method: clinical testing. Allele origin: germline.
Comment: Variant summary: RIGI c.1277A>G (p.Tyr426Cys) results in a non-conservative amino acid change in the encoded protein sequence. Algorithms developed to predict the effect of missense changes on protein structure and function are either unavailable or do not agree on the potential impact of this missense change. The variant allele was found at a frequency of 5.2e-05 in 251376 control chromosomes. This frequency is not significantly higher than estimated for disease-causing variants in RIGI, allowing no conclusion about variant significance. To our knowledge, no occurrence of c.1277A>G in individuals affected with RIGI-related conditions and no experimental evidence demonstrating its impact on protein function have been reported. ClinVar contains an entry for this variant (Variation ID: 1381168). Based on the evidence outlined above, the variant was classified as uncertain significance.

Labcorp Genetics (formerly Invitae), Labcorp
Classification: Uncertain significance. Last evaluated: 2024-12-09. Review status: criteria provided, single submitter. Criteria: Invitae Variant Classification Sherloc (09022015). Collection method: clinical testing. Allele origin: germline.
Comment: This sequence change replaces tyrosine, which is neutral and polar, with cysteine, which is neutral and slightly polar, at codon 426 of the DDX58 protein (p.Tyr426Cys). This variant is present in population databases (rs201032144, gnomAD 0.07%), and has an allele count higher than expected for a pathogenic variant. This variant has not been reported in the literature in individuals affected with DDX58-related conditions. ClinVar contains an entry for this variant (Variation ID: 1381168). Invitae Evidence Modeling of protein sequence and biophysical properties (such as structural, functional, and spatial information, amino acid conservation, physicochemical variation, residue mobility, and thermodynamic stability) indicates that this missense variant is expected to disrupt DDX58 protein function with a positive predictive value of 80%. In summary, the available evidence is currently insufficient to determine the role of this variant in disease. Therefore, it has been classified as a Variant of Uncertain Significance.

Ambry Genetics
Classification: Uncertain significance for Inborn genetic diseases. Last evaluated: 2021-09-17. Review status: criteria provided, single submitter. Criteria: Ambry Variant Classification Scheme 2023. Collection method: clinical testing. Allele origin: germline.

NM_014314.4(RIGI):c.1277A>G (p.Tyr426Cys)

Gene: RIGI (RNA sensor RIG-I; minus strand). Cytogenetic location: 9p21.1.
Variant type: single nucleotide variant.
Coding change: c.1277A>G on transcript NM_014314.4 (MANE Select); coding-DNA position 1277, A replaced by G.
Protein change: p.Tyr426Cys; replaces tyrosine 426 with cysteine.
Molecular consequence: missense variant.
Genome position (GRCh38, 1-based): chr9:32,487,569, T>C on the plus strand (A>G on the coding strand, the complement: RIGI is on the minus strand). VCF-style: chr9-32487569-T-C. GRCh37 (hg19) VCF-style: chr9-32487567-T-C.
Other names: c.1277A>G (NM_014314.3); c.1271A>G, p.Tyr424Cys (NM_001385907.1); c.1277A>G, p.Tyr426Cys (NM_001385909.1); c.836A>G, p.Tyr279Cys (NM_001385910.1); c.668A>G, p.Tyr223Cys (NM_001385912.1); c.1262A>G, p.Tyr421Cys (NM_001385913.1); c.833A>G, p.Tyr278Cys (NM_001385914.1); short protein forms Y223C, Y278C, Y421C, Y424C, Y426C, Y279C.
Identifiers: ClinVar variation 1381168 (VCV001381168.8), dbSNP rs201032144, ClinGen allele CA5019874.